The following is an entry in ClinVar:

NM_003242.6(TGFBR2):c.438C>T (p.Asn146=)

Gene: TGFBR2 (transforming growth factor beta receptor 2; plus strand). Cytogenetic location: 3p24.1.
Variant type: single nucleotide variant.
Coding change: c.438C>T on transcript NM_003242.6 (MANE Select); coding-DNA position 438, C replaced by T.
Protein change: p.Asn146=; no amino-acid change (asparagine 146 retained).
Molecular consequence: synonymous variant. On other transcripts: intron variant (2).
Genome position (GRCh38, 1-based): chr3:30,650,444, C>T. VCF-style: chr3-30650444-C-T. GRCh37 (hg19) VCF-style: chr3-30691936-C-T.
Other names: c.513C>T, p.Asn171= (NM_001024847.3, NM_001407126.1, NM_001407139.1); c.438C>T, p.Asn146= (NM_001407127.1, NM_001407130.1); c.465C>T, p.Asn155= (NM_001407128.1); c.333C>T, p.Asn111= (NM_001407129.1, NM_001407132.1, NM_001407133.1 and 3 more transcripts); c.170-21194C>T (NM_001407137.1); c.95-21194C>T (NM_001407138.1).
Identifiers: ClinVar variation 3710976 (VCV003710976.3).

ClinVar aggregate classification (germline): Conflicting classifications of pathogenicity. Review status: criteria provided, conflicting classifications (1 of 4 stars). 2 submissions from 2 submitters: Uncertain significance (1); Likely benign (1). Last evaluated 2025-08-31.

Conditions:
Familial thoracic aortic aneurysm and aortic dissection (TAAD). Also called: Thoracic aortic aneurysms and dissections. Identifiers: Orphanet 91387, MedGen C4707243, MONDO:0019625.

gnomAD v4.1: 5 of 1,613,926 alleles (0.00031%); highest among the groups gnomAD compares: Non-Finnish European, 0.00042%; no homozygotes.

Submissions (2):

Labcorp Genetics (formerly Invitae), Labcorp
Classification: Likely benign for Familial thoracic aortic aneurysm and aortic dissection. Last evaluated: 2025-08-31. Review status: criteria provided, single submitter. Criteria: Invitae Variant Classification Sherloc (09022015). Collection method: clinical testing. Allele origin: germline.

Color Diagnostics, LLC DBA Color Health
Classification: Uncertain significance for Familial thoracic aortic aneurysm and aortic dissection. Last evaluated: 2025-04-06. Review status: criteria provided, single submitter. Criteria: ACMG Guidelines, 2015. Collection method: clinical testing. Allele origin: germline.
Comment: This variant is located in the TGFBR2 protein. To our knowledge, functional studies have not been reported for this variant. This variant has not been reported in individuals affected with TGFBR2-related disorders in the literature. This variant has been identified in 2/250748 chromosomes in the general population by the Genome Aggregation Database (gnomAD). The available evidence is insufficient to determine the role of this variant in disease conclusively. Therefore, this variant is classified as a Variant of Uncertain Significance.